The following is an entry in ClinVar:

ClinVar aggregate classification (germline): Uncertain significance. Review status: criteria provided, multiple submitters, no conflicts (2 of 4 stars). 2 submissions from 2 submitters: Uncertain significance (2). Last evaluated 2024-08-25.

Allele frequency attached by ClinVar (database versions not stated): gnomAD exomes 0.00001 and 0.00002; ExAC 0.00002; gnomAD 0.00002; TOPMed 0.00002.
gnomAD v4.1: 24 of 1,613,916 alleles (0.0015%); highest among the groups gnomAD compares: African/African-American, 0.0027%; no homozygotes.

Submissions (2):

GeneDx
Classification: Uncertain significance. Last evaluated: 2024-08-25. Review status: criteria provided, single submitter. Criteria: GeneDx Variant Classification Process June 2021. Collection method: clinical testing. Allele origin: germline. Affected: yes.
Comment: Not observed at significant frequency in large population cohorts (gnomAD); In silico analysis indicates that this missense variant does not alter protein structure/function; Has not been previously published as pathogenic or benign to our knowledge

Labcorp Genetics (formerly Invitae), Labcorp
Classification: Uncertain significance. Last evaluated: 2020-11-18. Review status: criteria provided, single submitter. Criteria: Invitae Variant Classification Sherloc (09022015). Collection method: clinical testing. Allele origin: germline.
Comment: In summary, the available evidence is currently insufficient to determine the role of this variant in disease. Therefore, it has been classified as a Variant of Uncertain Significance. Advanced modeling of protein sequence and biophysical properties (such as structural, functional, and spatial information, amino acid conservation, physicochemical variation, residue mobility, and thermodynamic stability) performed at Invitae indicates that this missense variant is not expected to disrupt COL9A1 protein function. This variant has not been reported in the literature in individuals with COL9A1-related conditions. This variant is present in population databases (rs780899445, ExAC 0.01%). This sequence change replaces serine with leucine at codon 170 of the COL9A1 protein (p.Ser170Leu). The serine residue is moderately conserved and there is a large physicochemical difference between serine and leucine.

NM_001851.6(COL9A1):c.509C>T (p.Ser170Leu)

Gene: COL9A1 (collagen type IX alpha 1 chain; minus strand). Cytogenetic location: 6q13.
Variant type: single nucleotide variant.
Coding change: c.509C>T on transcript NM_001851.6 (MANE Select); coding-DNA position 509, C replaced by T.
Protein change: p.Ser170Leu; replaces serine 170 with leucine.
Molecular consequence: missense variant.
Genome position (GRCh38, 1-based): chr6:70,294,354, G>A on the plus strand (C>T on the coding strand, the complement: COL9A1 is on the minus strand). VCF-style: chr6-70294354-G-A. GRCh37 (hg19) VCF-style: chr6-71004057-G-A.
Other names: c.509C>T, p.Ser170Leu (NM_001377291.1); c.509C>T (NM_001851.4); short protein forms S170L.
Identifiers: ClinVar variation 1424007 (VCV001424007.7), dbSNP rs780899445, ClinGen allele CA3882792.